The following is an entry in ClinVar:

NM_001128840.3(CACNA1D):c.132T>G (p.Asn44Lys)

Gene: CACNA1D (calcium voltage-gated channel subunit alpha1 D; plus strand). Cytogenetic location: 3p21.1.
Variant type: single nucleotide variant.
Coding change: c.132T>G on transcript NM_001128840.3 (MANE Select); coding-DNA position 132, T replaced by G.
Protein change: p.Asn44Lys; replaces asparagine 44 with lysine.
Molecular consequence: missense variant.
Genome position (GRCh38, 1-based): chr3:53,497,216, T>G. VCF-style: chr3-53497216-T-G. GRCh37 (hg19) VCF-style: chr3-53531243-T-G.
Other names: c.132T>G, p.Asn44Lys (NM_000720.4, NM_001128839.3); short protein forms N44K.
Identifiers: ClinVar variation 4799408 (VCV004799408.1).

ClinVar aggregate classification (germline): Uncertain significance (1 of 4 stars; one submission).

Submission:

Labcorp Genetics (formerly Invitae), Labcorp
Classification: Uncertain significance. Last evaluated: 2025-12-25. Review status: criteria provided, single submitter. Criteria: Invitae Variant Classification Sherloc (09022015). Collection method: clinical testing. Allele origin: germline.
Comment: This sequence change replaces asparagine, which is neutral and polar, with lysine, which is basic and polar, at codon 44 of the CACNA1D protein (p.Asn44Lys). This variant is not present in population databases (gnomAD no frequency). This variant has not been reported in the literature in individuals affected with CACNA1D-related conditions. An algorithm developed to predict the effect of missense changes on protein structure and function outputs the following: PolyPhen-2: "Benign". The lysine amino acid residue is found in multiple mammalian species, which suggests that this missense change does not adversely affect protein function. In summary, the available evidence is currently insufficient to determine the role of this variant in disease. Therefore, it has been classified as a Variant of Uncertain Significance.